The following is an entry in ClinVar:

ClinVar aggregate classification (germline): Pathogenic (1 of 4 stars; one submission).

Conditions:
3MC syndrome. Also called: Craniofacial-ulnar-renal syndrome. Identifiers: Orphanet 293843, MedGen C4303860, MONDO:0017398.

Submission:

Molecular Genetics, Royal Melbourne Hospital
Classification: Pathogenic for 3MC syndrome. Last evaluated: 2023-07-07. Review status: criteria provided, single submitter. Criteria: ACMG Guidelines, 2015. Collection method: clinical testing. Allele origin: germline. Inheritance: Autosomal recessive inheritance.
Comment: This sequence change in COLEC11 is a frameshift variant predicted to cause a premature stop codon, p.(Ala28Profs*69), in biologically relevant exon 5/7 leading to nonsense-mediated decay in a gene in which loss-of-function is an established disease mechanism. This variant is absent from the population database gnomAD v2.1 and v3.1. This variant has been detected homozygous in at least one individual with 3MC syndrome (Kulak et al). Based on the classification scheme RMH Modified ACMG/AMP Guidelines v1.6.1, this variant is classified as PATHOGENIC. Following criteria are met: PVS1, PM2_Supporting, PM3_Supporting.

NM_024027.5(COLEC11):c.82_94del (p.Ala28fs)

Gene: COLEC11 (collectin subfamily member 11; plus strand). Cytogenetic location: 2p25.3.
Variant type: Deletion.
Coding change: c.82_94del on transcript NM_024027.5 (MANE Select); coding-DNA positions 82 to 94, 13 bases deleted (GCTGGCGATGACG).
Protein change: p.Ala28fs; shifts the reading frame from alanine 28.
Molecular consequence: frameshift variant. On other transcripts: initiator codon variant (1), non-coding transcript variant (1).
Genome position (GRCh38, 1-based): chr2:3,604,422-3,604,434, GCTGGCGATGACG deleted; deleting any 13 consecutive bases within chr2:3,604,420-3,604,434 gives the same sequence; the c. name uses the placement nearest the transcript's 3' end. VCF-style (leftmost placement, unchanged base first): chr2-3604419-CCGGCTGGCGATGA-C. GRCh37 (hg19) VCF-style: chr2-3652009-CCGGCTGGCGATGA-C.
Other names: c.82_94del, p.Ala28fs (NM_001255982.2, NM_001255983.2, NM_001255984.2); c.124_136del, p.Ala42fs (NM_001255985.1); c.-7_6del, p.Met1fs (NM_199235.3); short protein forms A28fs, A42fs, M1fs.
Identifiers: ClinVar variation 3068586 (VCV003068586.1), dbSNP rs2528243821, ClinGen allele CA2580611962.